The following is an entry in ClinVar:

ClinVar aggregate classification (germline): Benign (1 of 4 stars; one submission).

Conditions:
Vesicoureteral reflux 2 (VUR2). Identifiers: Orphanet 289365, MedGen C1970483, MONDO:0012573, OMIM 610878.

Allele frequency attached by ClinVar (database versions not stated): gnomAD 0.00084 and 0.00114; TOPMed 0.00143; 1000 Genomes Project 30x 0.00578; 1000 Genomes Project 0.00579.

Submission:

Illumina Laboratory Services, Illumina
Classification: Benign for Vesicoureteral reflux 2. Last evaluated: 2018-01-12. Review status: criteria provided, single submitter. Criteria: ICSL Variant Classification Criteria 13 December 2019. Collection method: clinical testing. Allele origin: germline.
Comment: This variant was observed in the ICSL laboratory as part of a predisposition screen in an ostensibly healthy population. It had not been previously curated by ICSL or reported in the Human Gene Mutation Database (HGMD: prior to June 1st, 2018), and was therefore a candidate for classification through an automated scoring system. Utilizing variant allele frequency, disease prevalence and penetrance estimates, and inheritance mode, an automated score was calculated to assess if this variant is too frequent to cause the disease. Based on the score and internal cut-off values, a variant classified as benign is not then subjected to further curation. The score for this variant resulted in a classification of benign for this disease.

NM_001395656.1(ROBO2):c.*2865T>C

Gene: ROBO2 (roundabout guidance receptor 2; plus strand). Cytogenetic location: 3p12.3.
Variant type: single nucleotide variant.
Coding change: c.*2865T>C on transcript NM_001395656.1 (MANE Select); 2865 bases downstream of the stop codon, T replaced by C.
Molecular consequence: 3 prime UTR variant.
Genome position (GRCh38, 1-based): chr3:77,648,920, T>C. VCF-style: chr3-77648920-T-C. GRCh37 (hg19) VCF-style: chr3-77698071-T-C.
Other names: c.*2865T>C (NM_001128929.3, NM_001290039.2, NM_001290040.2 and 14 more transcripts); c.*2862T>C (NM_001378194.1, NM_001378196.1, NM_001378199.1 and 3 more transcripts).
Identifiers: ClinVar variation 346757 (VCV000346757.6), dbSNP rs116956967, ClinGen allele CA10616710.